The following is an entry in ClinVar:

NM_000258.3(MYL3):c.76C>G (p.Pro26Ala)

Gene: MYL3 (myosin light chain 3; minus strand). Cytogenetic location: 3p21.31.
Variant type: single nucleotide variant.
Coding change: c.76C>G on transcript NM_000258.3 (MANE Select); coding-DNA position 76, C replaced by G.
Protein change: p.Pro26Ala; replaces proline 26 with alanine.
Molecular consequence: missense variant.
Genome position (GRCh38, 1-based): chr3:46,863,315, G>C on the plus strand (C>G on the coding strand, the complement: MYL3 is on the minus strand). VCF-style: chr3-46863315-G-C. GRCh37 (hg19) VCF-style: chr3-46904805-G-C.
Other names: c.76C>G, p.Pro26Ala (NM_001406937.1, NM_001406938.1, NM_001406939.1); short protein forms P26A.
Identifiers: ClinVar variation 4728834 (VCV004728834.1).

ClinVar aggregate classification (germline): Uncertain significance (1 of 4 stars; one submission).

Conditions:
Hypertrophic cardiomyopathy. Also called: HYPERTROPHIC MYOCARDIOPATHY. Identifiers: Orphanet 217569, MedGen C0007194, MeSH D002312, MONDO:0005045, HP:0001639.

Submission:

Labcorp Genetics (formerly Invitae), Labcorp
Classification: Uncertain significance for Hypertrophic cardiomyopathy. Last evaluated: 2025-10-09. Review status: criteria provided, single submitter. Criteria: Invitae Variant Classification Sherloc (09022015). Collection method: clinical testing. Allele origin: germline.
Comment: This sequence change replaces proline, which is neutral and non-polar, with alanine, which is neutral and non-polar, at codon 26 of the MYL3 protein (p.Pro26Ala). This variant is not present in population databases (gnomAD no frequency). This variant has not been reported in the literature in individuals affected with MYL3-related conditions. An algorithm developed to predict the effect of missense changes on protein structure and function outputs the following: PolyPhen-2: "Not Available". The alanine amino acid residue is found in multiple mammalian species, which suggests that this missense change does not adversely affect protein function. In summary, the available evidence is currently insufficient to determine the role of this variant in disease. Therefore, it has been classified as a Variant of Uncertain Significance.